The following is an entry in ClinVar:

ClinVar aggregate classification (germline): Uncertain significance (1 of 4 stars; one submission).

Allele frequency attached by ClinVar (database versions not stated): gnomAD exomes below 0.00001; TOPMed below 0.00001.
gnomAD v4.1: 1 of 1,518,154 alleles (0.000066%); highest among the groups gnomAD compares: Non-Finnish European, 0.000088%; no homozygotes.

Submission:

Labcorp Genetics (formerly Invitae), Labcorp
Classification: Uncertain significance. Last evaluated: 2022-08-20. Review status: criteria provided, single submitter. Criteria: Invitae Variant Classification Sherloc (09022015). Collection method: clinical testing. Allele origin: germline.
Comment: In summary, the available evidence is currently insufficient to determine the role of this variant in disease. Therefore, it has been classified as a Variant of Uncertain Significance. Algorithms developed to predict the effect of missense changes on protein structure and function (SIFT, PolyPhen-2, Align-GVGD) all suggest that this variant is likely to be tolerated. This variant has not been reported in the literature in individuals affected with AP3B2-related conditions. This variant is not present in population databases (gnomAD no frequency). This sequence change replaces glycine, which is neutral and non-polar, with alanine, which is neutral and non-polar, at codon 18 of the AP3B2 protein (p.Gly18Ala).

NM_001278512.2(AP3B2):c.53G>C (p.Gly18Ala)

Genes: AP3B2 (adaptor related protein complex 3 subunit beta 2; minus strand), LOC130057772 (ATAC-STARR-seq lymphoblastoid silent region 6752; plus strand). Cytogenetic location: 15q25.2.
Variant type: single nucleotide variant.
Coding change: c.53G>C on transcript NM_001278512.2 (MANE Select); coding-DNA position 53, G replaced by C.
Protein change: p.Gly18Ala; replaces glycine 18 with alanine.
Molecular consequence: missense variant.
Genome position (GRCh38, 1-based): chr15:82,709,654, C>G on the plus strand (G>C on the coding strand, the complement: AP3B2 is on the minus strand). VCF-style: chr15-82709654-C-G. GRCh37 (hg19) VCF-style: chr15-83378406-C-G.
Other names: c.53G>C, p.Gly18Ala (NM_001278511.2, NM_001348440.2, NM_004644.5); short protein forms G18A.
Identifiers: ClinVar variation 2016144 (VCV002016144.4), dbSNP rs2048852200, ClinGen allele CA393307621.